The following is an entry in ClinVar:

ClinVar aggregate classification (germline): Pathogenic (1 of 4 stars; one submission).

Conditions:
Hereditary cancer-predisposing syndrome. Also called: Neoplastic Syndromes, Hereditary; Tumor predisposition; Hereditary Cancer Syndrome; Hereditary neoplastic syndrome. Identifiers: Orphanet 140162, MedGen C0027672, MeSH D009386, MONDO:0015356.

Submission:

Color Diagnostics, LLC DBA Color Health
Classification: Pathogenic for Hereditary cancer-predisposing syndrome. Last evaluated: 2020-01-15. Review status: criteria provided, single submitter. Criteria: ACMG Guidelines, 2015. Collection method: clinical testing. Allele origin: germline.
Comment: This variant deletes 1 nucleotide in exon 33 of the ATM gene, creating a frameshift and premature translation stop signal. This variant is expected to result in an absent or non-functional protein product. This variant has not been identified in the general population by the Genome Aggregation Database (gnomAD). Loss of ATM function is a known mechanism of disease. Based on the available evidence, this variant is classified as Pathogenic.

NM_000051.4(ATM):c.4916del (p.Pro1639fs)

Gene: ATM (ATM serine/threonine kinase; plus strand). Cytogenetic location: 11q22.3.
Variant type: Deletion.
Coding change: c.4916del on transcript NM_000051.4 (MANE Select); coding-DNA position 4916, one base deleted (C; older notation c.4916delC).
Protein change: p.Pro1639fs; shifts the reading frame from proline 1639.
Molecular consequence: frameshift variant.
Genome position (GRCh38, 1-based): chr11:108,297,293, C deleted; the last of 2 consecutive C bases (chr11:108,297,292-108,297,293); deleting either gives the same sequence. VCF-style (leftmost placement, unchanged base first): chr11-108297291-TC-T. GRCh37 (hg19) VCF-style: chr11-108168018-TC-T.
Other names: c.4916del, p.Pro1639fs (NM_001351834.2); short protein forms P1639fs.
Identifiers: ClinVar variation 919967 (VCV000919967.3), dbSNP rs2083174891, ClinGen allele CA913188412.